The following is an entry in ClinVar:

ClinVar aggregate classification (germline): Uncertain significance (1 of 4 stars; one submission).

Conditions:
Porencephaly-microcephaly-bilateral congenital cataract syndrome. Identifiers: Orphanet 306547, MedGen C3151000, MONDO:0013394, OMIM 613730.

Submission:

Neuberg Centre For Genomic Medicine, NCGM
Classification: Uncertain significance for Porencephaly-microcephaly-bilateral congenital cataract syndrome. Review status: criteria provided, single submitter. Criteria: ACMG Guidelines, 2015. Collection method: clinical testing. Allele origin: germline. Inheritance: Autosomal recessive inheritance. Affected: yes.
Comment: The missense c.689G>A(p.Cys230Tyr) variant in JAM3 gene has not been reported previously as a pathogenic variant nor as a benign variant, to our knowledge. The p.Cys230Tyr variant is novel (not in any individuals) in gnomAD Exomes and 1000 Genomes. This variant has not been reported to the ClinVar database. The amino acid change p.Cys230Tyr in JAM3 is predicted as conserved by GERP++ and PhyloP across 100 vertebrates. The amino acid Cys at position 230 is changed to a Tyr changing protein sequence and it might alter its composition and physico-chemical properties. For these reasons, this variant has been classified as Variant of Uncertain Significance (VUS).

NM_032801.5(JAM3):c.689G>A (p.Cys230Tyr)

Gene: JAM3 (junctional adhesion molecule 3; plus strand). Cytogenetic location: 11q25.
Variant type: single nucleotide variant.
Coding change: c.689G>A on transcript NM_032801.5 (MANE Select); coding-DNA position 689, G replaced by A.
Protein change: p.Cys230Tyr; replaces cysteine 230 with tyrosine.
Molecular consequence: missense variant.
Genome position (GRCh38, 1-based): chr11:134,146,022, G>A. VCF-style: chr11-134146022-G-A. GRCh37 (hg19) VCF-style: chr11-134015917-G-A.
Other names: c.536G>A, p.Cys179Tyr (NM_001205329.2); short protein forms C179Y, C230Y.
Identifiers: ClinVar variation 2664219 (VCV002664219.1), dbSNP rs2497297736, ClinGen allele CA383501326.